The following is an entry in ClinVar:

NM_005883.3(APC2):c.6169G>A (p.Ala2057Thr)

Gene: APC2 (APC regulator of Wnt signaling pathway 2; plus strand). Cytogenetic location: 19p13.3.
Variant type: single nucleotide variant.
Coding change: c.6169G>A on transcript NM_005883.3 (MANE Select); coding-DNA position 6169, G replaced by A.
Protein change: p.Ala2057Thr; replaces alanine 2057 with threonine.
Molecular consequence: missense variant.
Genome position (GRCh38, 1-based): chr19:1,469,470, G>A. VCF-style: chr19-1469470-G-A. GRCh37 (hg19) VCF-style: chr19-1469469-G-A.
Other names: c.6166G>A, p.Ala2056Thr (NM_001351273.1); c.6169G>A (NM_005883.2); short protein forms A2057T, A2056T.
Identifiers: ClinVar variation 2039017 (VCV002039017.6), dbSNP rs189440287, ClinGen allele CA9046130.

ClinVar aggregate classification (germline): Benign. Review status: criteria provided, single submitter (1 of 4 stars). 2 submissions from 2 submitters: Benign (1). 1 of the submissions does not count toward it. Last evaluated 2026-01-29.

Conditions:
APC2-related disorder. Also called: APC2-Related Disorders; APC2-related condition.

Allele frequency attached by ClinVar (database versions not stated): gnomAD exomes 0.00446; ExAC 0.02469; gnomAD 0.03442; 1000 Genomes Project 30x 0.04685; 1000 Genomes Project 0.04772.
gnomAD v4.1: 9,671 of 1,119,892 alleles (0.86%); highest among the groups gnomAD compares: African/African-American, 11%; 403 homozygotes.

Submissions (2):

Labcorp Genetics (formerly Invitae), Labcorp
Classification: Benign. Last evaluated: 2026-01-29. Review status: criteria provided, single submitter. Criteria: Invitae Variant Classification Sherloc (09022015). Collection method: clinical testing. Allele origin: germline.

PreventionGenetics, part of Exact Sciences
Classification: Benign for APC2-related condition. Last evaluated: 2021-05-06. Review status: no assertion criteria provided. Collection method: clinical testing. Allele origin: germline. Not counted in ClinVar's aggregate classification.
Comment: This variant is classified as benign based on ACMG/AMP sequence variant interpretation guidelines (Richards et al. 2015 PMID: 25741868, with internal and published modifications).